The following is an entry in ClinVar:

NM_024675.4(PALB2):c.2835-5C>G

Gene: PALB2 (partner and localizer of BRCA2; minus strand). Cytogenetic location: 16p12.2.
Variant type: single nucleotide variant.
Coding change: c.2835-5C>G on transcript NM_024675.4 (MANE Select); 5 bases into the intron before coding-DNA position 2835, C replaced by G.
Molecular consequence: intron variant.
Genome position (GRCh38, 1-based): chr16:23,623,135, G>C on the plus strand (C>G on the coding strand, the complement: PALB2 is on the minus strand). VCF-style: chr16-23623135-G-C. GRCh37 (hg19) VCF-style: chr16-23634456-G-C.
Identifiers: ClinVar variation 530099 (VCV000530099.11), dbSNP rs1555459605, ClinGen allele CA658798563.

ClinVar aggregate classification (germline): Uncertain significance (1 of 4 stars; one submission).

Conditions:
Familial cancer of breast. Also called: BREAST CANCER, FAMILIAL; Hereditary breast cancer; hereditary breast carcinoma. Identifiers: Orphanet 227535, MedGen C0346153, MONDO:0016419, OMIM 114480. Disease mechanism: loss of function.

Submission:

Labcorp Genetics (formerly Invitae), Labcorp
Classification: Uncertain significance for Familial cancer of breast. Last evaluated: 2019-10-12. Review status: criteria provided, single submitter. Criteria: Invitae Variant Classification Sherloc (09022015). Collection method: clinical testing. Allele origin: germline.
Comment: Algorithms developed to predict the effect of sequence changes on RNA splicing suggest that this variant may disrupt the consensus splice site, but this prediction has not been confirmed by published transcriptional studies. In summary, the available evidence is currently insufficient to determine the role of this variant in disease. Therefore, it has been classified as a Variant of Uncertain Significance. This variant has not been reported in the literature in individuals with PALB2-related disease. This variant is not present in population databases (ExAC no frequency). This sequence change falls in intron 8 of the PALB2 gene. It does not directly change the encoded amino acid sequence of the PALB2 protein.